The following is an entry in ClinVar:

NM_001316309.2(WDR97):c.4786C>T (p.Arg1596Cys)

Gene: WDR97 (WD repeat domain 97; plus strand). Cytogenetic location: 8q24.3.
Variant type: single nucleotide variant.
Coding change: c.4786C>T on transcript NM_001316309.2 (MANE Select); coding-DNA position 4786, C replaced by T.
Protein change: p.Arg1596Cys; replaces arginine 1596 with cysteine.
Molecular consequence: missense variant.
Genome position (GRCh38, 1-based): chr8:144,116,210, C>T. VCF-style: chr8-144116210-C-T. GRCh37 (hg19) VCF-style: chr8-145171113-C-T.
Other names: short protein forms R1596C.
Identifiers: ClinVar variation 2658977 (VCV002658977.24), dbSNP rs528459469, ClinGen allele CA4934833.
Genomic context (GRCh38, chr8:144,116,210, plus strand): 5'-AAGCTGCCGTTGCCGCGTGTGGAGCCGCAGCCTTTCCCCCTGGACTGGCCTATGCCCCCG[C>T]GCCCGCTGCCCCCGCGGCTCCTGCAGCCGGCCCTGCAGCGCTACTTTCTGCCAGCGGACG-3'
Protein context (NP_001303238.1, residues 1586-1606): PFPLDWPMPP[Arg1596Cys]PLPPRLLQPA

ClinVar aggregate classification (germline): Likely benign (1 of 4 stars; one submission).

Allele frequency attached by ClinVar (database versions not stated): 1000 Genomes Project 0.00060; gnomAD 0.00405; TOPMed 0.00405; ExAC 0.00625.

Submission:

CeGaT Center for Human Genetics Tuebingen
Classification: Likely benign. Last evaluated: 2023-04-01. Review status: criteria provided, single submitter. Criteria: CeGaT Center For Human Genetics Tuebingen Variant Classification Criteria Version 2. Collection method: clinical testing. Allele origin: germline. Affected: yes. Observed: 3 variant alleles.
Comment: WDR97: PP2, BS2